The following is an entry in ClinVar:

ClinVar aggregate classification (germline): Likely benign (1 of 4 stars; one submission).

Conditions:
NCOA1-related disorder. Also called: NCOA1-related condition.

gnomAD v4.1: 7 of 1,613,118 alleles (0.00043%); highest among the groups gnomAD compares: Non-Finnish European, 0.00059%; no homozygotes.

Submission:

PreventionGenetics, part of Exact Sciences
Classification: Likely benign for NCOA1-related condition. Last evaluated: 2025-09-12. Review status: criteria provided, single submitter. Criteria: ACMG Guidelines, 2015. Collection method: clinical testing. Allele origin: germline.
Comment: This variant is classified as likely benign based on ACMG/AMP sequence variant interpretation guidelines (Richards et al. 2015 PMID: 25741868, with internal and published modifications).

NM_003743.5(NCOA1):c.2748T>G (p.Leu916=)

Gene: NCOA1 (nuclear receptor coactivator 1; plus strand). Cytogenetic location: 2p23.3.
Variant type: single nucleotide variant.
Coding change: c.2748T>G on transcript NM_003743.5 (MANE Select); coding-DNA position 2748, T replaced by G.
Protein change: p.Leu916=; no amino-acid change (leucine 916 retained).
Molecular consequence: synonymous variant.
Genome position (GRCh38, 1-based): chr2:24,728,338, T>G. VCF-style: chr2-24728338-T-G. GRCh37 (hg19) VCF-style: chr2-24951207-T-G.
Other names: c.2748T>G, p.Leu916= (NM_001362950.1, NM_001362952.1, NM_001362954.1 and 3 more transcripts).
Identifiers: ClinVar variation 4990749 (VCV004990749.1).
Genomic context (GRCh38, chr2:24,728,338, plus strand): 5'-CTGAAACTTTCTTGTTTTTTAATCCTGCAGCCAGTGTATTAGCTCACAATTAGATGAGCT[T>G]CTCTGTCCACCCACAACAGTAGAAGGGAGAAATGATGAGAAGGCTCTTCTTGAACAGCTG-3'
Protein context (NP_003734.3, residues 906-926): DQCISSQLDE[Leu916=]LCPPTTVEGR